The following is an entry in ClinVar:

ClinVar aggregate classification (germline): Uncertain significance (1 of 4 stars; one submission).

Conditions:
Fanconi anemia (FA). Also called: Fanconi's anemia. Identifiers: Orphanet 84, MedGen C0015625, MeSH D005199, MONDO:0019391.

Submission:

Labcorp Genetics (formerly Invitae), Labcorp
Classification: Uncertain significance for Fanconi anemia. Last evaluated: 2021-04-29. Review status: criteria provided, single submitter. Criteria: Invitae Variant Classification Sherloc (09022015). Collection method: clinical testing. Allele origin: germline.
Comment: This sequence change replaces alanine with serine at codon 312 of the FANCL protein (p.Ala312Ser). The alanine residue is highly conserved and there is a moderate physicochemical difference between alanine and serine. This variant is not present in population databases (ExAC no frequency). This variant has not been reported in the literature in individuals with FANCL-related conditions. Algorithms developed to predict the effect of missense changes on protein structure and function output the following: SIFT: "Tolerated"; PolyPhen-2: "Benign"; Align-GVGD: "Class C0". The serine amino acid residue is found in multiple mammalian species, suggesting that this missense change does not adversely affect protein function. These predictions have not been confirmed by published functional studies and their clinical significance is uncertain. In summary, the available evidence is currently insufficient to determine the role of this variant in disease. Therefore, it has been classified as a Variant of Uncertain Significance.

NM_018062.4(FANCL):c.934G>T (p.Ala312Ser)

Gene: FANCL (FA complementation group L; minus strand). Cytogenetic location: 2p16.1.
Variant type: single nucleotide variant.
Coding change: c.934G>T on transcript NM_018062.4 (MANE Select); coding-DNA position 934, G replaced by T.
Protein change: p.Ala312Ser; replaces alanine 312 with serine.
Molecular consequence: missense variant.
Genome position (GRCh38, 1-based): chr2:58,161,608, C>A on the plus strand (G>T on the coding strand, the complement: FANCL is on the minus strand). VCF-style: chr2-58161608-C-A. GRCh37 (hg19) VCF-style: chr2-58388743-C-A.
Other names: c.949G>T, p.Ala317Ser (NM_001114636.2); c.979G>T, p.Ala327Ser (NM_001374615.1); c.994G>T, p.Ala332Ser (NM_001410792.1); short protein forms A312S, A317S, A327S, A332S.
Identifiers: ClinVar variation 1444918 (VCV001444918.8), dbSNP rs2104783559, ClinGen allele CA346933176.